The following is an entry in ClinVar:

NM_032119.4(ADGRV1):c.4772C>T (p.Thr1591Ile)

Gene: ADGRV1 (adhesion G protein-coupled receptor V1; plus strand). Cytogenetic location: 5q14.3.
Variant type: single nucleotide variant.
Coding change: c.4772C>T on transcript NM_032119.4 (MANE Select); coding-DNA position 4772, C replaced by T.
Protein change: p.Thr1591Ile; replaces threonine 1591 with isoleucine.
Molecular consequence: missense variant. On other transcripts: non-coding transcript variant (1).
Genome position (GRCh38, 1-based): chr5:90,672,565, C>T. VCF-style: chr5-90672565-C-T. GRCh37 (hg19) VCF-style: chr5-89968382-C-T.
Other names: short protein forms T1591I.
Identifiers: ClinVar variation 1039106 (VCV001039106.8), dbSNP rs1446233406, ClinGen allele CA360406800.

ClinVar aggregate classification (germline): Uncertain significance (1 of 4 stars; one submission).

Allele frequency attached by ClinVar (database versions not stated): gnomAD exomes below 0.00001.
gnomAD v4.1: 2 of 1,613,536 alleles (0.00012%); highest among the groups gnomAD compares: Admixed American, 0.0017%; no homozygotes.

Submission:

Labcorp Genetics (formerly Invitae), Labcorp
Classification: Uncertain significance. Last evaluated: 2026-01-05. Review status: criteria provided, single submitter. Criteria: Invitae Variant Classification Sherloc (09022015). Collection method: clinical testing. Allele origin: germline.
Comment: This sequence change replaces threonine, which is neutral and polar, with isoleucine, which is neutral and non-polar, at codon 1591 of the ADGRV1 protein (p.Thr1591Ile). This variant is present in population databases (no rsID available, gnomAD 0.003%). This variant has not been reported in the literature in individuals affected with ADGRV1-related conditions. ClinVar contains an entry for this variant (Variation ID: 1039106). Invitae Evidence Modeling of protein sequence and biophysical properties (such as structural, functional, and spatial information, amino acid conservation, physicochemical variation, residue mobility, and thermodynamic stability) indicates that this missense variant is not expected to disrupt ADGRV1 protein function with a negative predictive value of 95%. In summary, the available evidence is currently insufficient to determine the role of this variant in disease. Therefore, it has been classified as a Variant of Uncertain Significance.